The following is an entry in ClinVar:

ClinVar aggregate classification (germline): Conflicting classifications of pathogenicity. Review status: criteria provided, conflicting classifications (1 of 4 stars). 8 submissions from 8 submitters: Uncertain significance (1); Benign (2); Likely benign (5). Last evaluated 2026-02-03.

Conditions:
TSC2-related disorder. Also called: TSC2-related condition; TSC2-Related Disorders.
Hereditary cancer-predisposing syndrome. Also called: Hereditary neoplastic syndrome; Hereditary Cancer Syndrome; Neoplastic Syndromes, Hereditary; Tumor predisposition. Identifiers: Orphanet 140162, MedGen C0027672, MeSH D009386, MONDO:0015356.
Tuberous sclerosis 2 (TSC2). Identifiers: Orphanet 805, MedGen C1860707, MONDO:0013199, OMIM 613254.
Tuberous sclerosis syndrome (TSC). Also called: Tuberous Sclerosis Complex; Tuberous sclerosis. Identifiers: Orphanet 805, MedGen C0041341, MONDO:0001734.

Allele frequency attached by ClinVar (database versions not stated): ExAC 0.00002; gnomAD 0.00002 and 0.00003; gnomAD exomes 0.00002; TOPMed 0.00003; ESP Exome Variant Server 0.00008.
gnomAD v4.1: 9 of 1,613,290 alleles (0.00056%); highest among the groups gnomAD compares: African/African-American, 0.0093%; no homozygotes.

Submissions (8):

Labcorp Genetics (formerly Invitae), Labcorp
Classification: Benign for Tuberous sclerosis 2. Last evaluated: 2026-02-03. Review status: criteria provided, single submitter. Criteria: Invitae Variant Classification Sherloc (09022015). Collection method: clinical testing. Allele origin: germline.

PreventionGenetics, part of Exact Sciences
Classification: Likely benign for TSC2-related condition. Last evaluated: 2025-10-27. Review status: criteria provided, single submitter. Criteria: ACMG Guidelines, 2015. Collection method: clinical testing. Allele origin: germline.
Comment: This variant is classified as likely benign based on ACMG/AMP sequence variant interpretation guidelines (Richards et al. 2015 PMID: 25741868, with internal and published modifications).

Color Diagnostics, LLC DBA Color Health
Classification: Likely benign for Tuberous sclerosis syndrome. Last evaluated: 2025-09-11. Review status: criteria provided, single submitter. Criteria: ACMG Guidelines, 2015. Collection method: clinical testing. Allele origin: germline.

All of Us Research Program, National Institutes of Health
Classification: Uncertain significance for Tuberous sclerosis syndrome. Last evaluated: 2024-09-23. Review status: criteria provided, single submitter. Criteria: ACMG Guidelines, 2015. Collection method: clinical testing. Allele origin: germline. Inheritance: Autosomal dominant inheritance. Observed: 5 variant alleles, 5 heterozygotes.
Comment: This missense variant replaces serine with asparagine at codon 592 of the TSC2 protein. Computational prediction suggests that this variant may not impact protein structure and function (internally defined REVEL score threshold <= 0.5, PMID: 27666373). To our knowledge, functional studies have not been reported for this variant. This variant has not been reported in individuals affected with tuberous sclerosis complex in the literature. This variant has not been identified in the general population by the Genome Aggregation Database (gnomAD). The available evidence is insufficient to determine the role of this variant in disease conclusively. Therefore, this variant is classified as a Variant of Uncertain Significance.

This study involves interpretation of variants in research participants for the purpose of population health screening. Participant phenotype was not available at the time of variant classification. Additional details can be found in publication PMID: 35346344, PMCID: PMC8962531

Myriad Genetics, Inc.
Classification: Likely benign for Tuberous sclerosis 2. Last evaluated: 2024-08-09. Review status: criteria provided, single submitter. Criteria: Myriad Autosomal Dominant, Autosomal Recessive and X-Linked Classification Criteria (2023). Collection method: clinical testing. Allele origin: unknown.
Comment: This variant is considered likely benign. This variant has been observed at a population frequency that is significantly greater than expected given the associated disease prevalence and penetrance.

Ambry Genetics
Classification: Likely benign for Hereditary cancer-predisposing syndrome. Last evaluated: 2023-08-14. Review status: criteria provided, single submitter. Criteria: Ambry Variant Classification Scheme 2023. Collection method: clinical testing. Allele origin: germline.

Genome-Nilou Lab
Classification: Benign for Tuberous sclerosis 2. Last evaluated: 2021-11-07. Review status: criteria provided, single submitter. Criteria: ACMG Guidelines, 2015. Collection method: clinical testing. Allele origin: germline. Affected: no.

GeneDx
Classification: Likely benign. Last evaluated: 2017-05-11. Review status: criteria provided, single submitter. Criteria: GeneDx Variant Classification (06012015). Collection method: clinical testing. Allele origin: germline. Affected: yes.
Comment: This variant is considered likely benign or benign based on one or more of the following criteria: it is a conservative change, it occurs at a poorly conserved position in the protein, it is predicted to be benign by multiple in silico algorithms, and/or has population frequency not consistent with disease.

NM_000548.5(TSC2):c.1775G>A (p.Ser592Asn)

Gene: TSC2 (TSC complex subunit 2; plus strand). Cytogenetic location: 16p13.3.
Variant type: single nucleotide variant.
Coding change: c.1775G>A on transcript NM_000548.5 (MANE Select); coding-DNA position 1775, G replaced by A.
Protein change: p.Ser592Asn; replaces serine 592 with asparagine.
Molecular consequence: missense variant.
Genome position (GRCh38, 1-based): chr16:2,070,514, G>A. VCF-style: chr16-2070514-G-A. GRCh37 (hg19) VCF-style: chr16-2120515-G-A.
Other names: c.1775G>A (NM_000548.4); c.1775G>A, p.Ser592Asn (NM_001077183.3, NM_001114382.3, NM_001363528.2 and 3 more transcripts); c.1664G>A, p.Ser555Asn (NM_001318827.2); c.1628G>A, p.Ser543Asn (NM_001318829.2); c.1175G>A, p.Ser392Asn (NM_001318831.2); c.1808G>A, p.Ser603Asn (NM_001318832.2); short protein forms S592N, S543N, S555N, S603N, S392N.
Identifiers: ClinVar variation 509382 (VCV000509382.21), dbSNP rs374371998, ClinGen allele CA033474.